The following is an entry in ClinVar:

NM_207361.6(FREM2):c.7378A>G (p.Thr2460Ala)

Gene: FREM2 (FRAS1 related extracellular matrix 2; plus strand). Cytogenetic location: 13q13.3.
Variant type: single nucleotide variant.
Coding change: c.7378A>G on transcript NM_207361.6 (MANE Select); coding-DNA position 7378, A replaced by G.
Protein change: p.Thr2460Ala; replaces threonine 2460 with alanine.
Molecular consequence: missense variant.
Genome position (GRCh38, 1-based): chr13:38,859,449, A>G. VCF-style: chr13-38859449-A-G. GRCh37 (hg19) VCF-style: chr13-39433586-A-G.
Other names: short protein forms T2460A.
Identifiers: ClinVar variation 1989315 (VCV001989315.3), dbSNP rs749526912, ClinGen allele CA6955842.

ClinVar aggregate classification (germline): Uncertain significance. Review status: criteria provided, multiple submitters, no conflicts (2 of 4 stars). 3 submissions from 3 submitters: Uncertain significance (3). Last evaluated 2022-05-20.

Conditions:
Inborn genetic diseases. Identifiers: MedGen C0950123, MeSH D030342.

Allele frequency attached by ClinVar (database versions not stated): gnomAD 0.00002; TOPMed 0.00002; gnomAD exomes 0.00003; ExAC 0.00014.
gnomAD v4.1: 23 of 1,613,992 alleles (0.0014%); highest among the groups gnomAD compares: Admixed American, 0.035%; no homozygotes.

Submissions (3):

Labcorp Genetics (formerly Invitae), Labcorp
Classification: Uncertain significance. Last evaluated: 2022-05-20. Review status: criteria provided, single submitter. Criteria: Invitae Variant Classification Sherloc (09022015). Collection method: clinical testing. Allele origin: germline.
Comment: This sequence change replaces threonine, which is neutral and polar, with alanine, which is neutral and non-polar, at codon 2460 of the FREM2 protein (p.Thr2460Ala). This variant is present in population databases (rs749526912, gnomAD 0.05%). This variant has not been reported in the literature in individuals affected with FREM2-related conditions. Algorithms developed to predict the effect of missense changes on protein structure and function are either unavailable or do not agree on the potential impact of this missense change (SIFT: "Deleterious"; PolyPhen-2: "Possibly Damaging"; Align-GVGD: "Class C0"). In summary, the available evidence is currently insufficient to determine the role of this variant in disease. Therefore, it has been classified as a Variant of Uncertain Significance.

Ambry Genetics
Classification: Uncertain significance for Inborn genetic diseases. Last evaluated: 2021-10-20. Review status: criteria provided, single submitter. Criteria: Ambry Variant Classification Scheme 2023. Collection method: clinical testing. Allele origin: germline.

Blueprint Genetics
Classification: Uncertain significance. Last evaluated: 2021-04-26. Review status: criteria provided, single submitter. Criteria: ACMG Guidelines, 2015. Collection method: clinical testing. Allele origin: germline.